The following is an entry in ClinVar:

ClinVar aggregate classification (germline): Uncertain significance. Review status: criteria provided, multiple submitters, no conflicts (2 of 4 stars). 5 submissions from 5 submitters: Uncertain significance (5). Last evaluated 2026-07-31.

Conditions:
H syndrome. Also called: Histiocytosis with joint contractures and sensorineural deafness; Hyperpigmentation, Cutaneous, with Hypertrichosis, Hepatosplenomegaly, Heart Anomalies, Hearing Loss, and Hypogonadism; HISTIOCYTOSIS AND LYMPHADENOPATHY WITH OR WITHOUT CUTANEOUS, CARDIAC, AND/OR ENDOCRINE FEATURES, JOINT CONTRACTURES, AND/OR DEAFNESS; HYPERPIGMENTATION, CUTANEOUS, WITH HYPERTRICHOSIS, HEPATOSPLENOMEGALY, HEART ANOMALIES, AND HYPOGONADISM WITH OR WITHOUT HEARING LOSS; PIGMENTED HYPERTRICHOSIS WITH INSULIN-DEPENDENT DIABETES MELLITUS; ROSAI-DORFMAN DISEASE, FAMILIAL. Identifiers: Orphanet 168569, MedGen C1864445, MONDO:0011273, OMIM 602782.
SLC29A3-related disorder. Also called: SLC29A3-related condition.

Allele frequency attached by ClinVar (database versions not stated): ExAC 0.00012; gnomAD exomes 0.00013 and 0.00031; TOPMed 0.00019; gnomAD 0.00021 and 0.00022; 1000 Genomes Project 0.00040; 1000 Genomes Project 30x 0.00047.
gnomAD v4.1: 484 of 1,614,102 alleles (0.03%); highest among the groups gnomAD compares: Non-Finnish European, 0.036%; no homozygotes.

Submissions (5):

PreventionGenetics, part of Exact Sciences
Classification: Uncertain significance for SLC29A3-related condition. Last evaluated: 2026-07-31. Review status: criteria provided, single submitter. Criteria: ACMG Guidelines, 2015. Collection method: clinical testing. Allele origin: germline.
Comment: The SLC29A3 c.1202G>A variant is predicted to result in the amino acid substitution p.Arg401His. To our knowledge, this variant has not been reported in SLC29A3-associated disorder. This variant is reported in 0.039% of alleles in individuals of Ashkenazi Jewish descent in gnomAD. At this time, the clinical significance of this variant is uncertain due to the absence of conclusive functional and genetic evidence.

Mayo Clinic Laboratories, Mayo Clinic
Classification: Uncertain significance. Last evaluated: 2025-10-30. Review status: criteria provided, single submitter. Criteria: ACMG Guidelines, 2015. Collection method: clinical testing. Allele origin: germline. Observed: 1 variant allele.

Blueprint Genetics
Classification: Uncertain significance. Last evaluated: 2024-10-23. Review status: criteria provided, single submitter. Criteria: ACMG Guidelines, 2015. Collection method: clinical testing. Allele origin: germline.

Labcorp Genetics (formerly Invitae), Labcorp
Classification: Uncertain significance for H syndrome. Last evaluated: 2022-09-07. Review status: criteria provided, single submitter. Criteria: Invitae Variant Classification Sherloc (09022015). Collection method: clinical testing. Allele origin: germline.
Comment: This sequence change replaces arginine, which is basic and polar, with histidine, which is basic and polar, at codon 401 of the SLC29A3 protein (p.Arg401His). This variant is present in population databases (rs199861210, gnomAD 0.02%). This variant has not been reported in the literature in individuals affected with SLC29A3-related conditions. ClinVar contains an entry for this variant (Variation ID: 300370). Algorithms developed to predict the effect of missense changes on protein structure and function are either unavailable or do not agree on the potential impact of this missense change (SIFT: "Tolerated"; PolyPhen-2: "Probably Damaging"; Align-GVGD: "Class C0"). In summary, the available evidence is currently insufficient to determine the role of this variant in disease. Therefore, it has been classified as a Variant of Uncertain Significance.

Illumina Laboratory Services, Illumina
Classification: Uncertain significance for H syndrome. Last evaluated: 2018-01-13. Review status: criteria provided, single submitter. Criteria: ICSL Variant Classification Criteria 13 December 2019. Collection method: clinical testing. Allele origin: germline.

Literature cited by the submitters: PubMed 33057194 (cited by Mayo Clinic Laboratories, Mayo Clinic); PubMed 35982159 (cited by Mayo Clinic Laboratories, Mayo Clinic).

NM_018344.6(SLC29A3):c.1202G>A (p.Arg401His)

Gene: SLC29A3 (solute carrier family 29 member 3; plus strand). Cytogenetic location: 10q22.1.
Variant type: single nucleotide variant.
Coding change: c.1202G>A on transcript NM_018344.6 (MANE Select); coding-DNA position 1202, G replaced by A.
Protein change: p.Arg401His; replaces arginine 401 with histidine.
Molecular consequence: missense variant. On other transcripts: 3 prime UTR variant (1), non-coding transcript variant (2).
Genome position (GRCh38, 1-based): chr10:71,362,382, G>A. VCF-style: chr10-71362382-G-A. GRCh37 (hg19) VCF-style: chr10-73122139-G-A.
Other names: p.Arg401His; c.*431G>A (NM_001174098.2); c.968G>A, p.Arg323His (NM_001363518.2); short protein forms R401H, R323H.
Identifiers: ClinVar variation 300370 (VCV000300370.11), dbSNP rs199861210, ClinGen allele CA5543148.